The following is an entry in ClinVar:

ClinVar aggregate classification (germline): Benign (1 of 4 stars; one submission).

Allele frequency attached by ClinVar (database versions not stated): gnomAD 0.14002 and 0.14109; TOPMed 0.14485; 1000 Genomes Project 30x 0.17864; 1000 Genomes Project 0.17911.
gnomAD v4.1: 21,419 of 152,204 alleles (14%); highest among the groups gnomAD compares: African/African-American, 22%; 1,884 homozygotes.

Submission:

GeneDx
Classification: Benign. Last evaluated: 2018-06-19. Review status: criteria provided, single submitter. Criteria: GeneDx Variant Classification (06012015). Collection method: clinical testing. Allele origin: germline. Affected: yes.
Comment: This variant is considered likely benign or benign based on one or more of the following criteria: it is a conservative change, it occurs at a poorly conserved position in the protein, it is predicted to be benign by multiple in silico algorithms, and/or has population frequency not consistent with disease.

NM_001130987.2(DYSF):c.148-277T>C

Gene: DYSF (dysferlin; plus strand). Cytogenetic location: 2p13.2.
Variant type: single nucleotide variant.
Coding change: c.148-277T>C on transcript NM_001130987.2 (MANE Select); 277 bases into the intron before coding-DNA position 148, T replaced by C.
Molecular consequence: intron variant.
Genome position (GRCh38, 1-based): chr2:71,481,602, T>C. VCF-style: chr2-71481602-T-C. GRCh37 (hg19) VCF-style: chr2-71708732-T-C.
Other names: c.145-277T>C (NM_001130979.2, NM_001130981.2, NM_001130980.2 and 4 more transcripts); c.148-277T>C (NM_001130982.2, NM_001130985.2, NM_001130983.2 and 3 more transcripts).
Identifiers: ClinVar variation 668121 (VCV000668121.1), dbSNP rs12998057, ClinGen allele CA49750649.